The following is an entry in ClinVar:

NM_013339.4(ALG6):c.167+8A>G

Gene: ALG6 (ALG6 alpha-1,3-glucosyltransferase; plus strand). Cytogenetic location: 1p31.3.
Variant type: single nucleotide variant.
Coding change: c.167+8A>G on transcript NM_013339.4 (MANE Select); 8 bases into the intron after coding-DNA position 167, A replaced by G.
Molecular consequence: intron variant.
Genome position (GRCh38, 1-based): chr1:63,396,605, A>G. VCF-style: chr1-63396605-A-G. GRCh37 (hg19) VCF-style: chr1-63862276-A-G.
Other names: c.167+8A>G (NM_013339.3).
Identifiers: ClinVar variation 1114133 (VCV001114133.11), dbSNP rs902593542, ClinGen allele CA23800670.

ClinVar aggregate classification (germline): Likely benign. Review status: criteria provided, single submitter (1 of 4 stars). 2 submissions from 2 submitters: Likely benign (1). 1 of the submissions does not count toward it. Last evaluated 2025-06-02.

Conditions:
ALG6-related disorder. Also called: ALG6-related condition.
ALG6-congenital disorder of glycosylation 1C (CDG1C). Also called: CARBOHYDRATE-DEFICIENT GLYCOPROTEIN SYNDROME, TYPE I, WITH DEFICIENT GLYCOSYLATION OF DOLICHOL-LINKED OLIGOSACCHARIDE; CARBOHYDRATE-DEFICIENT GLYCOPROTEIN SYNDROME, TYPE V; Congenital disorder of glycosylation type 1C; CDG Ic; Congenital disorder of glycosylation, type Ic. Identifiers: Orphanet 79320, MedGen C2930997, MONDO:0011291, OMIM 603147.

Allele frequency attached by ClinVar (database versions not stated): gnomAD exomes below 0.00001 and 0.00001.
gnomAD v4.1: 3 of 1,606,590 alleles (0.00019%); highest among the groups gnomAD compares: South Asian, 0.0033%; no homozygotes.

Submissions (2):

Labcorp Genetics (formerly Invitae), Labcorp
Classification: Likely benign for ALG6-congenital disorder of glycosylation 1C. Last evaluated: 2025-06-02. Review status: criteria provided, single submitter. Criteria: Invitae Variant Classification Sherloc (09022015). Collection method: clinical testing. Allele origin: germline.

PreventionGenetics, part of Exact Sciences
Classification: Likely benign for ALG6-related condition. Last evaluated: 2019-06-11. Review status: no assertion criteria provided. Collection method: clinical testing. Allele origin: germline. Not counted in ClinVar's aggregate classification.
Comment: This variant is classified as likely benign based on ACMG/AMP sequence variant interpretation guidelines (Richards et al. 2015 PMID: 25741868, with internal and published modifications).